The following is an entry in ClinVar:

NM_000064.4(C3):c.1452G>A (p.Glu484=)

Gene: C3 (complement C3; minus strand). Cytogenetic location: 19p13.3.
Variant type: single nucleotide variant.
Coding change: c.1452G>A on transcript NM_000064.4 (MANE Select); coding-DNA position 1452, G replaced by A.
Protein change: p.Glu484=; no amino-acid change (glutamic acid 484 retained).
Molecular consequence: synonymous variant.
Genome position (GRCh38, 1-based): chr19:6,711,014, C>T on the plus strand (G>A on the coding strand, the complement: C3 is on the minus strand). VCF-style: chr19-6711014-C-T. GRCh37 (hg19) VCF-style: chr19-6711025-C-T.
Identifiers: ClinVar variation 725569 (VCV000725569.13), dbSNP rs146594928, ClinGen allele CA9129452.

ClinVar aggregate classification (germline): Likely benign. Review status: criteria provided, multiple submitters, no conflicts (2 of 4 stars). 4 submissions from 4 submitters: Likely benign (4). Last evaluated 2026-01-01.

Conditions:
Atypical hemolytic-uremic syndrome with C3 anomaly. Also called: AHUS, SUSCEPTIBILITY TO, 5. Identifiers: Orphanet 2134, MedGen C2752037, MONDO:0013043, OMIM 612925.
Age related macular degeneration 9. Identifiers: MedGen C1969651, MONDO:0012659, OMIM 611378.
Complement component 3 deficiency. Identifiers: Orphanet 280133, MedGen C3151071, MONDO:0013417, OMIM 613779.

Allele frequency attached by ClinVar (database versions not stated): 1000 Genomes Project 30x 0.00016; 1000 Genomes Project 0.00020; gnomAD exomes 0.00029 and 0.00079; ExAC 0.00030; gnomAD 0.00041 and 0.00042; TOPMed 0.00043; ESP Exome Variant Server 0.00069.
gnomAD v4.1: 1,199 of 1,614,128 alleles (0.074%); highest among the groups gnomAD compares: Non-Finnish European, 0.095%; no homozygotes.

Submissions (4):

Labcorp Genetics (formerly Invitae), Labcorp
Classification: Likely benign. Last evaluated: 2026-01-01. Review status: criteria provided, single submitter. Criteria: Invitae Variant Classification Sherloc (09022015). Collection method: clinical testing. Allele origin: germline.

Women's Health and Genetics/Laboratory Corporation of America, LabCorp
Classification: Likely benign. Last evaluated: 2025-03-17. Review status: criteria provided, single submitter. Criteria: LabCorp Variant Classification Summary - May 2015. Collection method: clinical testing. Allele origin: germline.
Comment: Variant summary: C3 c.1452G>A alters a non-conserved nucleotide resulting in a synonymous change. Consensus agreement among computation tools predict no significant impact on normal splicing. However, these predictions have yet to be confirmed by functional studies. The variant allele was found at a frequency of 0.00029 in 251458 control chromosomes. This frequency is not significantly higher than estimated for a pathogenic variant in C3 causing C3 Deficiency, allowing no conclusion about variant significance. To our knowledge, no occurrence of c.1452G>A in individuals affected with C3 Deficiency and no experimental evidence demonstrating its impact on protein function have been reported. ClinVar contains an entry for this variant (Variation ID: 725569). Based on the evidence outlined above, the variant was classified as likely benign.

Blueprint Genetics
Classification: Likely benign. Last evaluated: 2024-10-09. Review status: criteria provided, single submitter. Criteria: ACMG Guidelines, 2015. Collection method: clinical testing. Allele origin: germline.

Fulgent Genetics
Classification: Likely benign for Age related macular degeneration 9; Atypical hemolytic-uremic syndrome with C3 anomaly; Complement component 3 deficiency. Last evaluated: 2022-01-07. Review status: criteria provided, single submitter. Criteria: ACMG Guidelines, 2015. Collection method: clinical testing. Allele origin: unknown.